The following is an entry in ClinVar:

ClinVar aggregate classification (germline): Likely benign. Review status: criteria provided, multiple submitters, no conflicts (2 of 4 stars). 5 submissions from 5 submitters: Likely benign (5). Last evaluated 2026-07-28.

Conditions:
Cardiomyopathy (CMYO). Also called: Cardiomyopathies. Identifiers: Orphanet 167848, MedGen C0878544, MONDO:0004994, HP:0001638. Inheritance: Various modes of inheritance.
Hypertrophic cardiomyopathy 11. Also called: ACTC1-Related Familial Hypertrophic Cardiomyopathy. Identifiers: MedGen C2677506, MONDO:0012799, OMIM 612098.
Atrial septal defect 5 (ASD5). Identifiers: Orphanet 1478, MedGen C2748552, MONDO:0013011, OMIM 612794.
Dilated cardiomyopathy 1R (CMD1R). Identifiers: Orphanet 154, Orphanet 54260, MedGen C3150681, MONDO:0013261, OMIM 613424.
ACTC1-related disorder. Also called: ACTC1-related condition.
Hypertrophic cardiomyopathy. Also called: HYPERTROPHIC MYOCARDIOPATHY. Identifiers: Orphanet 217569, MedGen C0007194, MeSH D002312, MONDO:0005045, HP:0001639.

Allele frequency attached by ClinVar (database versions not stated): gnomAD 0.00002; TOPMed 0.00002; gnomAD exomes 0.00003 and 0.00004; ExAC 0.00004.
gnomAD v4.1: 34 of 1,285,286 alleles (0.0026%); highest among the groups gnomAD compares: East Asian, 0.027%; no homozygotes.

Submissions (5):

PreventionGenetics, part of Exact Sciences
Classification: Likely benign for ACTC1-related condition. Last evaluated: 2026-07-28. Review status: criteria provided, single submitter. Criteria: ACMG Guidelines, 2015. Collection method: clinical testing. Allele origin: germline.
Comment: This variant is classified as likely benign based on ACMG/AMP sequence variant interpretation guidelines (Richards et al. 2015 PMID: 25741868, with internal and published modifications).

Labcorp Genetics (formerly Invitae), Labcorp
Classification: Likely benign for Dilated cardiomyopathy 1R; Hypertrophic cardiomyopathy 11; Atrial septal defect 5. Last evaluated: 2025-12-08. Review status: criteria provided, single submitter. Criteria: Invitae Variant Classification Sherloc (09022015). Collection method: clinical testing. Allele origin: germline.

All of Us Research Program, National Institutes of Health
Classification: Likely benign for Hypertrophic cardiomyopathy. Last evaluated: 2023-12-01. Review status: criteria provided, single submitter. Criteria: ACMG Guidelines, 2015. Collection method: clinical testing. Allele origin: germline. Inheritance: Autosomal dominant inheritance. Observed: 5 variant alleles, 5 heterozygotes.
Comment: This study involves interpretation of variants in research participants for the purpose of population health screening. Participant phenotype was not available at the time of variant classification. Additional details can be found in publication PMID: 35346344, PMCID: PMC8962531

Color Diagnostics, LLC DBA Color Health
Classification: Likely benign for Cardiomyopathy. Last evaluated: 2018-12-01. Review status: criteria provided, single submitter. Criteria: ACMG Guidelines, 2015. Collection method: clinical testing. Allele origin: germline.

GeneDx
Classification: Likely benign. Last evaluated: 2018-05-07. Review status: criteria provided, single submitter. Criteria: GeneDx Variant Classification (06012015). Collection method: clinical testing. Allele origin: germline. Affected: yes.
Comment: This variant is considered likely benign or benign based on one or more of the following criteria: it is a conservative change, it occurs at a poorly conserved position in the protein, it is predicted to be benign by multiple in silico algorithms, and/or has population frequency not consistent with disease.

NM_005159.5(ACTC1):c.809-8G>A

Genes: GJD2-DT (GJD2 divergent transcript; plus strand), ACTC1 (actin alpha cardiac muscle 1; minus strand). Cytogenetic location: 15q14.
Variant type: single nucleotide variant.
Coding change: c.809-8G>A on transcript NM_005159.5 (MANE Select); 8 bases into the intron before coding-DNA position 809, G replaced by A.
Molecular consequence: intron variant.
Genome position (GRCh38, 1-based): chr15:34,791,303, C>T on the plus strand (G>A on the coding strand, the complement: ACTC1 is on the minus strand). VCF-style: chr15-34791303-C-T. GRCh37 (hg19) VCF-style: chr15-35083504-C-T.
Identifiers: ClinVar variation 669963 (VCV000669963.15), dbSNP rs767180775, ClinGen allele CA042896.